The following is an entry in ClinVar:

NM_004252.5(NHERF1):c.307G>T (p.Gly103Cys)

Genes: NHERF1 (NHERF family PDZ scaffold protein 1; plus strand), SLC9A3R1-AS1 (SLC9A3R1 antisense RNA 1; minus strand). Cytogenetic location: 17q25.1.
Variant type: single nucleotide variant.
Coding change: c.307G>T on transcript NM_004252.5 (MANE Select); coding-DNA position 307, G replaced by T.
Protein change: p.Gly103Cys; replaces glycine 103 with cysteine.
Molecular consequence: missense variant.
Genome position (GRCh38, 1-based): chr17:74,749,153, G>T. VCF-style: chr17-74749153-G-T. GRCh37 (hg19) VCF-style: chr17-72745292-G-T.
Other names: short protein forms G103C.
Identifiers: ClinVar variation 2508935 (VCV002508935.5), dbSNP rs753650408, ClinGen allele CA8750573.
Genomic context (GRCh38, chr17:74,749,153, plus strand): 5'-CTCAACGCCGTGCGCCTGCTGGTGGTCGACCCCGAGACGGACGAGCAGCTGCAGAAGCTC[G>T]GCGTCCAGGTCCGAGAGGAGCTGCTGCGCGCCCAGGAAGCGCCGGGGCAGGCCGAGCCGC-3'
Protein context (NP_004243.1, residues 93-113): PETDEQLQKL[Gly103Cys]VQVREELLRA

ClinVar aggregate classification (germline): Uncertain significance. Review status: criteria provided, multiple submitters, no conflicts (2 of 4 stars). 2 submissions from 2 submitters: Uncertain significance (2). Last evaluated 2023-05-30.

Conditions:
Inborn genetic diseases. Identifiers: MedGen C0950123, MeSH D030342.

Allele frequency attached by ClinVar (database versions not stated): gnomAD 0.00001; TOPMed 0.00002; ExAC 0.00005.
gnomAD v4.1: 13 of 1,550,962 alleles (0.00084%); highest among the groups gnomAD compares: East Asian, 0.0023%; no homozygotes.

Submissions (2):

Ambry Genetics
Classification: Uncertain significance for Inborn genetic diseases. Last evaluated: 2023-05-30. Review status: criteria provided, single submitter. Criteria: Ambry Variant Classification Scheme 2023. Collection method: clinical testing. Allele origin: germline.

Labcorp Genetics (formerly Invitae), Labcorp
Classification: Uncertain significance. Last evaluated: 2022-08-25. Review status: criteria provided, single submitter. Criteria: Invitae Variant Classification Sherloc (09022015). Collection method: clinical testing. Allele origin: germline.
Comment: The frequency data for this variant in the population databases is considered unreliable, as metrics indicate poor data quality at this position in the gnomAD database. This sequence change replaces glycine, which is neutral and non-polar, with cysteine, which is neutral and slightly polar, at codon 103 of the SLC9A3R1 protein (p.Gly103Cys). In summary, the available evidence is currently insufficient to determine the role of this variant in disease. Therefore, it has been classified as a Variant of Uncertain Significance. Algorithms developed to predict the effect of missense changes on protein structure and function are either unavailable or do not agree on the potential impact of this missense change (SIFT: "Deleterious"; PolyPhen-2: "Probably Damaging"; Align-GVGD: "Class C0"). This variant has not been reported in the literature in individuals affected with SLC9A3R1-related conditions.